The following is an entry in ClinVar:

NM_015412.4(RMP64):c.482_483del (p.Val161fs)

Gene: RMP64 (ribonuclease MRP subunit p64; minus strand). Cytogenetic location: 3q13.2.
Variant type: Microsatellite.
Coding change: c.482_483del on transcript NM_015412.4 (MANE Select); coding-DNA positions 482 to 483, 2 bases deleted (TG; older notation c.482_483delTG).
Protein change: p.Val161fs; shifts the reading frame from valine 161.
Molecular consequence: frameshift variant. On other transcripts: nonsense (1), intron variant (2).
Genome position (GRCh38, 1-based): chr3:113,012,802-113,012,803, CA deleted on the plus strand (TG on the coding strand, the reverse complement: RMP64 is on the minus strand); deleting any 2 consecutive bases within chr3:113,012,802-113,012,805 gives the same sequence; the c. name uses the placement nearest the transcript's 3' end. VCF-style (leftmost placement, unchanged base first): chr3-113012801-TCA-T. GRCh37 (hg19) VCF-style: chr3-112731648-TCA-T.
Other names: c.114_115del, p.Cys38_Glu39delinsTer (NM_001319111.2); c.149_150del, p.Val50fs (NM_001319112.2); c.74_75del, p.Val25fs (NM_001319114.2); c.191_192del, p.Val64fs (NM_001319115.2); c.50+1150_50+1151del (NM_001319110.2); c.341+1150_341+1151del (NM_001319109.2); short protein forms V161fs, V64fs, V25fs, V50fs.
Identifiers: ClinVar variation 4997107 (VCV004997107.1).

ClinVar aggregate classification (germline): Uncertain significance (1 of 4 stars; one submission).

Conditions:
RMP64-related condition.

Submission:

PreventionGenetics, part of Exact Sciences
Classification: Uncertain significance for RMP64-related condition. Last evaluated: 2025-12-18. Review status: criteria provided, single submitter. Criteria: ACMG Guidelines, 2015. Collection method: clinical testing. Allele origin: germline.
Comment: The RMP64 c.482_483delTG variant is predicted to result in a frameshift and premature protein termination (p.Val161Glufs*27). To our knowledge, this variant has not been reported in the literature or in a large population database (gnomAD), indicating this variant is rare. At this time, the clinical significance of this variant is uncertain due to the absence of conclusive functional and genetic evidence.